The following is an entry in ClinVar:

NM_002485.5(NBN):c.1897T>G (p.Ser633Ala)

Genes: NBN (nibrin; minus strand), LOC126860438 (MED14-independent group 3 enhancer GRCh37_chr8:90959982-90961181; plus strand). Cytogenetic location: 8q21.3.
Variant type: single nucleotide variant.
Coding change: c.1897T>G on transcript NM_002485.5 (MANE Select); coding-DNA position 1897, T replaced by G.
Protein change: p.Ser633Ala; replaces serine 633 with alanine.
Molecular consequence: missense variant.
Genome position (GRCh38, 1-based): chr8:89,947,841, A>C on the plus strand (T>G on the coding strand, the complement: NBN is on the minus strand). VCF-style: chr8-89947841-A-C. GRCh37 (hg19) VCF-style: chr8-90960069-A-C.
Other names: c.1651T>G, p.Ser551Ala (NM_001024688.3); short protein forms S551A, S633A.
Identifiers: ClinVar variation 1782191 (VCV001782191.7), dbSNP rs2488209296, ClinGen allele CA371677214.

ClinVar aggregate classification (germline): Uncertain significance. Review status: criteria provided, multiple submitters, no conflicts (2 of 4 stars). 2 submissions from 2 submitters: Uncertain significance (2). Last evaluated 2022-03-23.

Conditions:
Microcephaly, normal intelligence and immunodeficiency (NBS). Also called: IMMUNODEFICIENCY, MICROCEPHALY, AND CHROMOSOMAL INSTABILITY; SEEMANOVA SYNDROME II; Nijmegen breakage syndrome; Microcephaly with normal intelligence immunodeficiency and lymphoreticular malignancies; Nonsyndromal microcephaly autosomal recessive with normal intelligence; Seemanova syndrome 2. Identifiers: Orphanet 647, MedGen C0398791, MONDO:0009623, OMIM 251260.
Hereditary cancer-predisposing syndrome. Also called: Tumor predisposition; Neoplastic Syndromes, Hereditary; Hereditary Cancer Syndrome; Hereditary neoplastic syndrome. Identifiers: Orphanet 140162, MedGen C0027672, MeSH D009386, MONDO:0015356.

Submissions (2):

Labcorp Genetics (formerly Invitae), Labcorp
Classification: Uncertain significance for Microcephaly, normal intelligence and immunodeficiency. Last evaluated: 2022-03-23. Review status: criteria provided, single submitter. Criteria: Invitae Variant Classification Sherloc (09022015). Collection method: clinical testing. Allele origin: germline.
Comment: In summary, the available evidence is currently insufficient to determine the role of this variant in disease. Therefore, it has been classified as a Variant of Uncertain Significance. Algorithms developed to predict the effect of sequence changes on RNA splicing suggest that this variant may disrupt the consensus splice site. Algorithms developed to predict the effect of missense changes on protein structure and function (SIFT, PolyPhen-2, Align-GVGD) all suggest that this variant is likely to be tolerated. This variant has not been reported in the literature in individuals affected with NBN-related conditions. This variant is not present in population databases (gnomAD no frequency). This sequence change replaces serine, which is neutral and polar, with alanine, which is neutral and non-polar, at codon 633 of the NBN protein (p.Ser633Ala).

Ambry Genetics
Classification: Uncertain significance for Hereditary cancer-predisposing syndrome. Last evaluated: 2021-10-30. Review status: criteria provided, single submitter. Criteria: Ambry Variant Classification Scheme 2023. Collection method: clinical testing. Allele origin: germline.
Comment: The p.S633A variant (also known as c.1897T>G), located in coding exon 12 of the NBN gene, results from a T to G substitution at nucleotide position 1897. The serine at codon 633 is replaced by alanine, an amino acid with similar properties. This amino acid position is conserved. In addition, this alteration is predicted to be tolerated by in silico analysis. Since supporting evidence is limited at this time, the clinical significance of this alteration remains unclear.